The following is an entry in ClinVar:

NM_001005273.3(CHD3):c.5896C>A (p.Pro1966Thr)

Gene: CHD3 (chromodomain helicase DNA binding protein 3; plus strand). Cytogenetic location: 17p13.1.
Variant type: single nucleotide variant.
Coding change: c.5896C>A on transcript NM_001005273.3 (MANE Select); coding-DNA position 5896, C replaced by A.
Protein change: p.Pro1966Thr; replaces proline 1966 with threonine.
Molecular consequence: missense variant.
Genome position (GRCh38, 1-based): chr17:7,911,478, C>A. VCF-style: chr17-7911478-C-A. GRCh37 (hg19) VCF-style: chr17-7814796-C-A.
Other names: c.6073C>A, p.Pro2025Thr (NM_001005271.3); c.5794C>A, p.Pro1932Thr (NM_005852.4); short protein forms P1932T, P1966T, P2025T.
Identifiers: ClinVar variation 1699150 (VCV001699150.3), dbSNP rs201611412, ClinGen allele CA397951798.
Genomic context (GRCh38, chr17:7,911,478, plus strand): 5'-GAGAGTGATCTGGAGATTGATCTTTCCTTACCCCTTTCCCAAACAGCCGCCACCAACGGC[C>A]CTCCAGTGCTTGTGAAGAAGGAGAAGGAAATGGTGGGGGCATTGGTGTCAGACGGGCTGG-3'
Protein context (NP_001005273.1, residues 1956-1976): GSFITAATNG[Pro1966Thr]PVLVKKEKEM

ClinVar aggregate classification (germline): Uncertain significance (1 of 4 stars; one submission).

Conditions:
Snijders Blok-Campeau syndrome. Also called: INTELLECTUAL DEVELOPMENTAL DISORDER WITH MACROCEPHALY, SPEECH DELAY, AND DYSMORPHIC FACIES. Identifiers: Orphanet 599082, MedGen C4748701, MONDO:0032600, OMIM 618205.

Submission:

Victorian Clinical Genetics Services, Murdoch Childrens Research Institute
Classification: Uncertain significance for Snijders Blok-Campeau syndrome. Last evaluated: 2020-05-26. Review status: criteria provided, single submitter. Criteria: ACMG Guidelines, 2015. Collection method: clinical testing. Allele origin: germline. Inheritance: Autosomal dominant inheritance. Affected: yes.
Comment: Based on the classification scheme VCGS_Germline_v1.1.1, this variant is classified as 3B - VUS. Following criteria are met: 0103 - Both loss- and gain-of-function are known mechanisms of disease for this gene. Functional studies have demonstrated that a subset of missense variants can result in loss of function while others can result in gain of function (PMID: 30397230). (N) 0107 - This gene is known to be associated with autosomal dominant disease. (N) 0200 - Variant is predicted to result in a missense amino acid change from proline to threonine (exon 40). (N) 0251 - Variant is heterozygous. (N) 0301 - Variant is absent from gnomAD. (P) 0309 - Alternative amino acid changes at the same position have been observed in gnomAD v2 (highest allele count 30 Heterozygotes, 0 Homozygotes). (N) 0502 - Missense variant with conflicting in silico predictions or uninformative conservation. (N) 0604 - Variant is not located in an established domain, motif, hotspot or informative constraint region. (N) 0705 - No comparable variants have previous evidence for pathogenicity. (N) 0807 - Variant has not previously been reported in a clinical context. (N) 0905 - No segregation evidence has been identified for this variant. (N) 1007 - No published functional evidence has been identified for this variant in the literature. (N) 1208 - Inheritance information for this variant is not currently available. (N) Legend: (P) - Pathogenic, (N) - Neutral, (B) - Benign

Literature cited by the submitters: PubMed 30397230.